The following is an entry in ClinVar:

ClinVar aggregate classification (germline): Benign (1 of 4 stars; one submission).

Conditions:
Cone-rod dystrophy 5 (CORD5). Identifiers: Orphanet 1872, MedGen C1832976, MONDO:0010969, OMIM 600977.

Allele frequency attached by ClinVar (database versions not stated): gnomAD exomes 0.00060; gnomAD 0.00494; TOPMed 0.00655; 1000 Genomes Project 0.00659; 1000 Genomes Project 30x 0.00718.
gnomAD v4.1: 864 of 154,078 alleles (0.56%); highest among the groups gnomAD compares: African/African-American, 2%; 11 homozygotes.

Submission:

Illumina Laboratory Services, Illumina
Classification: Benign for Cone-rod dystrophy 5. Last evaluated: 2018-01-13. Review status: criteria provided, single submitter. Criteria: ICSL Variant Classification Criteria 13 December 2019. Collection method: clinical testing. Allele origin: germline.
Comment: This variant was observed in the ICSL laboratory as part of a predisposition screen in an ostensibly healthy population. It had not been previously curated by ICSL or reported in the Human Gene Mutation Database (HGMD: prior to June 1st, 2018), and was therefore a candidate for classification through an automated scoring system. Utilizing variant allele frequency, disease prevalence and penetrance estimates, and inheritance mode, an automated score was calculated to assess if this variant is too frequent to cause the disease. Based on the score and internal cut-off values, a variant classified as benign is not then subjected to further curation. The score for this variant resulted in a classification of benign for this disease.

NM_031220.4(PITPNM3):c.*555C>T

Gene: PITPNM3 (PITPNM family member 3; minus strand). Cytogenetic location: 17p13.2.
Variant type: single nucleotide variant.
Coding change: c.*555C>T on transcript NM_031220.4 (MANE Select); 555 bases downstream of the stop codon, C replaced by T.
Molecular consequence: 3 prime UTR variant.
Genome position (GRCh38, 1-based): chr17:6,454,783, G>A on the plus strand (C>T on the coding strand, the complement: PITPNM3 is on the minus strand). VCF-style: chr17-6454783-G-A. GRCh37 (hg19) VCF-style: chr17-6358103-G-A.
Other names: c.*555C>T (NM_001165966.2).
Identifiers: ClinVar variation 324736 (VCV000324736.5), dbSNP rs147071422, ClinGen allele CA10650722.